The following is an entry in ClinVar:

NM_000169.3(GLA):c.52T>C (p.Phe18Leu)

Genes: GLA (galactosidase alpha; minus strand), RPL36A-HNRNPH2 (RPL36A-HNRNPH2 readthrough; plus strand). Cytogenetic location: Xq22.1.
Variant type: single nucleotide variant.
Coding change: c.52T>C on transcript NM_000169.3 (MANE Select); coding-DNA position 52, T replaced by C.
Protein change: p.Phe18Leu; replaces phenylalanine 18 with leucine.
Molecular consequence: missense variant. On other transcripts: non-coding transcript variant (3), intron variant (2).
Genome position (GRCh38, 1-based): chrX:101,407,852, A>G on the plus strand (T>C on the coding strand, the complement: GLA is on the minus strand). VCF-style: chrX-101407852-A-G. GRCh37 (hg19) VCF-style: chrX-100662840-A-G.
Other names: c.52T>C, p.Phe18Leu (NM_001406747.1, NM_001406748.1, NM_001406749.1); c.301-4084A>G (NM_001199973.2); c.178-4084A>G (NM_001199974.2); short protein forms F18L.
Identifiers: ClinVar variation 2633232 (VCV002633232.1), dbSNP rs2520946586, ClinGen allele CA413937720.

ClinVar aggregate classification (germline): Uncertain significance (1 of 4 stars; one submission).

Conditions:
GLA-related disorder. Also called: GLA-related condition.

Submission:

PreventionGenetics, part of Exact Sciences
Classification: Uncertain significance for GLA-related condition. Last evaluated: 2023-05-02. Review status: criteria provided, single submitter. Criteria: ACMG Guidelines, 2015. Collection method: clinical testing. Allele origin: germline.
Comment: The GLA c.52T>C variant is predicted to result in the amino acid substitution p.Phe18Leu. To our knowledge, this variant has not been reported in the literature or in a large population database, indicating this variant is rare. Other amino acid changes at this position have been reported in association with Fabry disease (Turaca et al. 2012. PubMed ID: 22551898; Auray-Blais et al. 2008. PubMed ID: 18023222). At this time, the clinical significance of this variant is uncertain due to the absence of conclusive functional and genetic evidence.